The following is an entry in ClinVar:

NM_001258392.3(CLPB):c.1486+142G>A

Gene: CLPB (ClpB family mitochondrial disaggregase; minus strand). Cytogenetic location: 11q13.4.
Variant type: single nucleotide variant.
Coding change: c.1486+142G>A on transcript NM_001258392.3 (MANE Select); 142 bases into the intron after coding-DNA position 1486, G replaced by A.
Molecular consequence: intron variant.
Genome position (GRCh38, 1-based): chr11:72,295,350, C>T on the plus strand (G>A on the coding strand, the complement: CLPB is on the minus strand). VCF-style: chr11-72295350-C-T. GRCh37 (hg19) VCF-style: chr11-72006394-C-T.
Other names: c.1399+142G>A (NM_001258393.3); c.1576+142G>A (NM_030813.6); c.1441+142G>A (NM_001258394.3).
Identifiers: ClinVar variation 676261 (VCV000676261.1), dbSNP rs590732, ClinGen allele CA224386321.
Genomic context (GRCh38, chr11:72,295,350, plus strand): 5'-GCTTTCTTGAAGTGGGGTCTCTGTCTCTTTTGTCTCAACCCCCACTACTTGGTATGGTGT[C>T]TGATATCTGCTCAGTGTCAGCTAGGGACAGAGCTGCCCACTAGAACCTTCACCTGGGCCC-3'

ClinVar aggregate classification (germline): Benign (1 of 4 stars; one submission).

Allele frequency attached by ClinVar (database versions not stated): gnomAD exomes 0.04717; gnomAD 0.09841 and 0.09940; TOPMed 0.11059; 1000 Genomes Project 0.13738; 1000 Genomes Project 30x 0.14085.
gnomAD v4.1: 45,853 of 800,376 alleles (5.7%); highest among the groups gnomAD compares: African/African-American, 23%; 2,562 homozygotes.

Submission:

GeneDx
Classification: Benign. Last evaluated: 2018-06-14. Review status: criteria provided, single submitter. Criteria: GeneDx Variant Classification (06012015). Collection method: clinical testing. Allele origin: germline. Affected: yes.
Comment: This variant is considered likely benign or benign based on one or more of the following criteria: it is a conservative change, it occurs at a poorly conserved position in the protein, it is predicted to be benign by multiple in silico algorithms, and/or has population frequency not consistent with disease.